The following is an entry in ClinVar:

ClinVar aggregate classification (germline): Uncertain significance (1 of 4 stars; one submission).

Submission:

Dasa
Classification: Uncertain significance. Last evaluated: 2026-07-30. Review status: criteria provided, single submitter. Criteria: DASA Assertion Criteria. Collection method: clinical testing. Allele origin: germline.
Comment: NM_000260.4(MYO7A):c.641G>A (p.Gly214Glu) is a missense variant that results in the substitution of glycine with glutamic acid. The affected residue or protein region has prior evidence supporting clinical relevance. This variant is rare in population databases. Computational prediction algorithms are consistent with a deleterious effect. The currently available literature and clinical evidence are not sufficient to establish a definitive association between this variant and the reported condition. Therefore, this variant is classified as a variant of uncertain significance.

NM_000260.4(MYO7A):c.641G>A (p.Gly214Glu)

Gene: MYO7A (myosin VIIA; plus strand). Cytogenetic location: 11q13.5.
Variant type: single nucleotide variant.
Coding change: c.641G>A on transcript NM_000260.4 (MANE Select); coding-DNA position 641, G replaced by A.
Protein change: p.Gly214Glu; replaces glycine 214 with glutamic acid.
Molecular consequence: missense variant.
Genome position (GRCh38, 1-based): chr11:77,156,910, G>A. VCF-style: chr11-77156910-G-A. GRCh37 (hg19) VCF-style: chr11-76867956-G-A.
Other names: c.641G>A, p.Gly214Glu (NM_001127180.2); c.608G>A, p.Gly203Glu (NM_001369365.1); short protein forms G203E, G214E.
Identifiers: ClinVar variation 5020998 (VCV005020998.1).